The following is an entry in ClinVar:

NM_152490.5(B3GALNT2):c.1486C>G (p.Arg496Gly)

Genes: B3GALNT2 (beta-1,3-N-acetylgalactosaminyltransferase 2; minus strand), TBCE (tubulin folding cofactor E; plus strand). Cytogenetic location: 1q42.3.
Variant type: single nucleotide variant.
Coding change: c.1486C>G on transcript NM_152490.5 (MANE Select); coding-DNA position 1486, C replaced by G.
Protein change: p.Arg496Gly; replaces arginine 496 with glycine.
Molecular consequence: missense variant. On other transcripts: 3 prime UTR variant (4).
Genome position (GRCh38, 1-based): chr1:235,450,223, G>C on the plus strand (C>G on the coding strand, the complement: B3GALNT2 is on the minus strand). VCF-style: chr1-235450223-G-C. GRCh37 (hg19) VCF-style: chr1-235613538-G-C.
Other names: c.*1461G>C (NM_001079515.3, NM_001287801.2, NM_001287802.2 and 1 more transcripts); short protein forms R496G.
Identifiers: ClinVar variation 2043957 (VCV002043957.2), dbSNP rs151155734, ClinGen allele CA1464571.

ClinVar aggregate classification (germline): Uncertain significance (1 of 4 stars; one submission).

Conditions:
Muscular dystrophy-dystroglycanopathy (congenital with brain and eye anomalies), type a, 11 (MDDGA11). Also called: WALKER-WARBURG SYNDROME OR MUSCLE-EYE-BRAIN DISEASE, B3GALNT2-RELATED; Congenital muscular dystrophy-dystroglycanopathy with brain and eye anomalies, type A11; Muscular dystrophy-dystroglycanopathy (congenital with brain and eye anomalies, type A, 11. Identifiers: Orphanet 588, Orphanet 899, MedGen C3554638, MONDO:0014071, OMIM 615181.

gnomAD v4.1: 68 of 1,613,874 alleles (0.0042%); highest among the groups gnomAD compares: Non-Finnish European, 0.0056%; no homozygotes.

Submission:

Labcorp Genetics (formerly Invitae), Labcorp
Classification: Uncertain significance for Muscular dystrophy-dystroglycanopathy (congenital with brain and eye anomalies), type a, 11. Last evaluated: 2025-07-14. Review status: criteria provided, single submitter. Criteria: Invitae Variant Classification Sherloc (09022015). Collection method: clinical testing. Allele origin: germline.
Comment: This sequence change replaces arginine, which is basic and polar, with glycine, which is neutral and non-polar, at codon 496 of the B3GALNT2 protein (p.Arg496Gly). This variant is present in population databases (rs151155734, gnomAD 0.002%). This variant has not been reported in the literature in individuals affected with B3GALNT2-related conditions. ClinVar contains an entry for this variant (Variation ID: 2043957). Invitae Evidence Modeling of protein sequence and biophysical properties (such as structural, functional, and spatial information, amino acid conservation, physicochemical variation, residue mobility, and thermodynamic stability) indicates that this missense variant is not expected to disrupt B3GALNT2 protein function with a negative predictive value of 80%. In summary, the available evidence is currently insufficient to determine the role of this variant in disease. Therefore, it has been classified as a Variant of Uncertain Significance.